The following is an entry in ClinVar:

NM_001077365.2(POMT1):c.2113_2119del (p.Ser705fs)

Gene: POMT1 (protein O-mannosyltransferase 1; plus strand). Cytogenetic location: 9q34.13.
Variant type: Deletion.
Coding change: c.2113_2119del on transcript NM_001077365.2 (MANE Select); coding-DNA positions 2113 to 2119, 7 bases deleted (TCGCCAC; older notation c.2113_2119delTCGCCAC).
Protein change: p.Ser705fs; shifts the reading frame from serine 705.
Molecular consequence: frameshift variant. On other transcripts: non-coding transcript variant (10).
Genome position (GRCh38, 1-based): chr9:131,523,041-131,523,047, TCGCCAC deleted; deleting any 7 consecutive bases within chr9:131,523,040-131,523,047 gives the same sequence; the c. name uses the placement nearest the transcript's 3' end. VCF-style (leftmost placement, unchanged base first): chr9-131523039-TCTCGCCA-T. GRCh37 (hg19) VCF-style: chr9-134398426-TCTCGCCA-T.
Other names: c.1951_1957del, p.Ser651fs (NM_001077366.2, NM_001353194.2); c.2113_2119del, p.Ser705fs (NM_001136113.2); c.1762_1768del, p.Ser588fs (NM_001136114.2, NM_001353195.2, NM_001374691.1 and 2 more transcripts); c.2179_2185del, p.Ser727fs (NM_001353193.2, NM_007171.4); c.2023_2029del, p.Ser675fs (NM_001353196.2); c.2017_2023del, p.Ser673fs (NM_001353197.2, NM_001353198.2); c.1828_1834del, p.Ser610fs (NM_001353199.2); c.1657_1663del, p.Ser553fs (NM_001353200.2); and 4 more; short protein forms S705fs, S727fs, S575fs, S701fs, S588fs, S632fs, S673fs, S675fs.
Identifiers: ClinVar variation 2062446 (VCV002062446.4), dbSNP rs1950284130, ClinGen allele CA1129603001.
Genomic context (GRCh38, chr9:131,523,039, plus strand): 5'-ACTCCTCCGCGTGCCACGTGTCCAACACGCTGCGCCCACTCACCTACGGGGACAAGTCAC[TCTCGCCA>T]CATGAACTCAAGGCCCTTCGCTGGAAAGACAGCTGGGACATCTTGATCCGAAAACACTAG-3'

ClinVar aggregate classification (germline): Pathogenic (1 of 4 stars; one submission).

Conditions:
Muscular dystrophy-dystroglycanopathy (congenital with impaired intellectual development), type B, 1. Also called: Muscular dystrophy-dystroglycanopathy (congenital with intellectual disability), type B1; MUSCULAR DYSTROPHY, CONGENITAL, POMT1-RELATED. Identifiers: MedGen C5436962, MONDO:0013159, OMIM 613155.
Walker-Warburg congenital muscular dystrophy. Also called: Muscular dystrophy-dystroglycanopathy, type A; Walker-Warburg syndrome. Identifiers: Orphanet 899, MedGen C0265221, MONDO:0000171.
Autosomal recessive limb-girdle muscular dystrophy type 2K. Also called: MUSCULAR DYSTROPHY-DYSTROGLYCANOPATHY (LIMB-GIRDLE), TYPE C, 1; MUSCULAR DYSTROPHY, LIMB-GIRDLE, TYPE 2K. Identifiers: Orphanet 86812, MedGen C1836373, MONDO:0012248, OMIM 609308.

Submission:

Labcorp Genetics (formerly Invitae), Labcorp
Classification: Pathogenic for Muscular dystrophy-dystroglycanopathy (congenital with impaired intellectual development), type B, 1; Walker-Warburg congenital muscular dystrophy; Autosomal recessive limb-girdle muscular dystrophy type 2K. Last evaluated: 2022-06-14. Review status: criteria provided, single submitter. Criteria: Invitae Variant Classification Sherloc (09022015). Collection method: clinical testing. Allele origin: germline.
Comment: For these reasons, this variant has been classified as Pathogenic. This sequence change creates a premature translational stop signal (p.Ser727Metfs*15) in the POMT1 gene. While this is not anticipated to result in nonsense mediated decay, it is expected to disrupt the last 21 amino acid(s) of the POMT1 protein. This variant is not present in population databases (gnomAD no frequency). This variant has not been reported in the literature in individuals affected with POMT1-related conditions. This variant disrupts a region of the POMT1 protein in which other variant(s) (p.Trp736*) have been determined to be pathogenic (PMID: 22499106, 27193224). This suggests that this is a clinically significant region of the protein, and that variants that disrupt it are likely to be disease-causing.

Literature cited by the submitters: PubMed 22499106; PubMed 27193224.